The following is an entry in ClinVar:

ClinVar aggregate classification (germline): Likely benign (0 of 4 stars; one submission).

Conditions:
HK1-related disorder. Also called: HK1-related condition; HK1-related disorders.

Allele frequency attached by ClinVar (database versions not stated): gnomAD exomes below 0.00001; gnomAD 0.00001.
gnomAD v4.1: 6 of 1,613,982 alleles (0.00037%); highest among the groups gnomAD compares: Non-Finnish European, 0.00051%; no homozygotes.

Submission:

PreventionGenetics, part of Exact Sciences
Classification: Likely benign for HK1-related condition. Last evaluated: 2023-07-10. Review status: no assertion criteria provided. Collection method: clinical testing. Allele origin: germline.
Comment: This variant is classified as likely benign based on ACMG/AMP sequence variant interpretation guidelines (Richards et al. 2015 PMID: 25741868, with internal and published modifications).

NM_000188.3(HK1):c.2562G>C (p.Leu854=)

Gene: HK1 (hexokinase 1; plus strand). Cytogenetic location: 10q22.1.
Variant type: single nucleotide variant.
Coding change: c.2562G>C on transcript NM_000188.3 (MANE Select); coding-DNA position 2562, G replaced by C.
Protein change: p.Leu854=; no amino-acid change (leucine 854 retained).
Molecular consequence: synonymous variant.
Genome position (GRCh38, 1-based): chr10:69,398,781, G>C. VCF-style: chr10-69398781-G-C. GRCh37 (hg19) VCF-style: chr10-71158537-G-C.
Other names: c.2574G>C, p.Leu858= (NM_001322364.2, NM_001358263.1, NM_033497.3 and 1 more transcripts); c.2667G>C, p.Leu889= (NM_001322365.2); c.2478G>C, p.Leu826= (NM_001322366.1); c.2466G>C, p.Leu822= (NM_001322367.1); c.2559G>C, p.Leu853= (NM_033496.3); c.2526G>C, p.Leu842= (NM_033500.2).
Identifiers: ClinVar variation 3030747 (VCV003030747.2), dbSNP rs1201396836, ClinGen allele CA470030610.